The following is an entry in ClinVar:

NM_024675.4(PALB2):c.3210_3211del (p.Phe1071fs)

Gene: PALB2 (partner and localizer of BRCA2; minus strand). Cytogenetic location: 16p12.2.
Variant type: Microsatellite.
Coding change: c.3210_3211del on transcript NM_024675.4 (MANE Select); coding-DNA positions 3210 to 3211, 2 bases deleted (CT; older notation c.3210_3211delCT).
Protein change: p.Phe1071fs; shifts the reading frame from phenylalanine 1071.
Molecular consequence: frameshift variant. On other transcripts: intron variant (8).
Genome position (GRCh38, 1-based): chr16:23,608,003-23,608,004, AG deleted on the plus strand (CT on the coding strand, the reverse complement: PALB2 is on the minus strand); deleting any 2 consecutive bases within chr16:23,608,003-23,608,007 gives the same sequence; the c. name uses the placement nearest the transcript's 3' end. VCF-style (leftmost placement, unchanged base first): chr16-23608002-AAG-A. GRCh37 (hg19) VCF-style: chr16-23619323-AAG-A.
Other names: c.3150_3151del, p.Phe1051fs (NM_001407296.1); c.3138_3139del, p.Phe1047fs (NM_001407297.1); c.3048_3049del, p.Phe1017fs (NM_001407298.1); c.2931_2932del, p.Phe978fs (NM_001407300.1); c.2325_2326del, p.Phe776fs (NM_001407304.1, NM_001407305.1, NM_001407306.1); c.2163_2164del, p.Phe722fs (NM_001407307.1); c.1422_1423del, p.Phe475fs (NM_001407312.1); c.744_745del, p.Phe249fs (NM_001407314.1); and 6 more; short protein forms F1017fs, F1047fs, F1051fs, F1071fs, F249fs, F475fs, F722fs, F776fs.
Identifiers: ClinVar variation 2673879 (VCV002673879.1), dbSNP rs2506219220, ClinGen allele CA2695197597.
Genomic context (GRCh38, chr16:23,608,002, plus strand): 5'-TGAAACACAGGGCTTCGCAACGACTCACTCTCTTTGGCACAGGGATGACTCAGGACAATA[AAG>A]AGAAGCCCCTAATTTCGGAGAAAAATAAATATCCCAAATAGACTGTCAAGAGTATGTCAG-3'

ClinVar aggregate classification (germline): Pathogenic (1 of 4 stars; one submission).

Conditions:
Familial cancer of breast. Also called: Hereditary breast cancer; BREAST CANCER, FAMILIAL; hereditary breast carcinoma. Identifiers: Orphanet 227535, MedGen C0346153, MONDO:0016419, OMIM 114480. Disease mechanism: loss of function.

Submission:

Myriad Genetics, Inc.
Classification: Pathogenic for Familial cancer of breast. Last evaluated: 2023-09-14. Review status: criteria provided, single submitter. Criteria: Myriad Autosomal Dominant, Autosomal Recessive and X-Linked Classification Criteria (2023). Collection method: clinical testing. Allele origin: unknown.
Comment: This variant is considered pathogenic. This variant creates a frameshift predicted to result in premature protein truncation.